The following is an entry in ClinVar:

NM_020964.3(EPG5):c.6743A>G (p.Asp2248Gly)

Gene: EPG5 (ectopic P-granules 5 autophagy tethering factor; minus strand). Cytogenetic location: 18q12.3.
Variant type: single nucleotide variant.
Coding change: c.6743A>G on transcript NM_020964.3 (MANE Select); coding-DNA position 6743, A replaced by G.
Protein change: p.Asp2248Gly; replaces aspartic acid 2248 with glycine.
Molecular consequence: missense variant.
Genome position (GRCh38, 1-based): chr18:45,865,638, T>C on the plus strand (A>G on the coding strand, the complement: EPG5 is on the minus strand). VCF-style: chr18-45865638-T-C. GRCh37 (hg19) VCF-style: chr18-43445603-T-C.
Other names: short protein forms D2248G.
Identifiers: ClinVar variation 1481154 (VCV001481154.6), dbSNP rs1440725586, ClinGen allele CA402338098.

ClinVar aggregate classification (germline): Uncertain significance (1 of 4 stars; one submission).

Conditions:
Vici syndrome (VICIS). Identifiers: Orphanet 1493, MedGen C1855772, MONDO:0009452, OMIM 242840.

Allele frequency attached by ClinVar (database versions not stated): gnomAD 0.00001 and 0.00002; gnomAD exomes 0.00001; TOPMed 0.00001; 1000 Genomes Project 30x 0.00031.
gnomAD v4.1: 16 of 1,614,132 alleles (0.00099%); highest among the groups gnomAD compares: African/African-American, 0.0013%; no homozygotes.

Submission:

Labcorp Genetics (formerly Invitae), Labcorp
Classification: Uncertain significance for Vici syndrome. Last evaluated: 2021-09-01. Review status: criteria provided, single submitter. Criteria: Invitae Variant Classification Sherloc (09022015). Collection method: clinical testing. Allele origin: germline.
Comment: This sequence change replaces aspartic acid with glycine at codon 2248 of the EPG5 protein (p.Asp2248Gly). The aspartic acid residue is moderately conserved and there is a moderate physicochemical difference between aspartic acid and glycine. This variant is not present in population databases (ExAC no frequency). This variant has not been reported in the literature in individuals affected with EPG5-related conditions. Algorithms developed to predict the effect of missense changes on protein structure and function are either unavailable or do not agree on the potential impact of this missense change (SIFT: "Tolerated"; PolyPhen-2: "Probably Damaging"; Align-GVGD: "Class C0"). Algorithms developed to predict the effect of sequence changes on RNA splicing suggest that this variant may create or strengthen a splice site. In summary, the available evidence is currently insufficient to determine the role of this variant in disease. Therefore, it has been classified as a Variant of Uncertain Significance.